The following is an entry in ClinVar:

ClinVar aggregate classification (germline): Uncertain significance (1 of 4 stars; one submission).

Allele frequency attached by ClinVar (database versions not stated): TOPMed 0.00002.

Submission:

GeneDx
Classification: Uncertain significance. Last evaluated: 2022-08-19. Review status: criteria provided, single submitter. Criteria: GeneDx Variant Classification Process June 2021. Collection method: clinical testing. Allele origin: germline. Affected: yes.
Comment: Not observed at significant frequency in large population cohorts (gnomAD); In silico analysis supports that this missense variant has a deleterious effect on protein structure/function; Has not been previously published as pathogenic or benign to our knowledge

NM_001384140.1(PCDH15):c.1037A>G (p.Glu346Gly)

Gene: PCDH15 (protocadherin related 15; minus strand). Cytogenetic location: 10q21.1.
Variant type: single nucleotide variant.
Coding change: c.1037A>G on transcript NM_001384140.1 (MANE Select); coding-DNA position 1037, A replaced by G.
Protein change: p.Glu346Gly; replaces glutamic acid 346 with glycine.
Molecular consequence: missense variant.
Genome position (GRCh38, 1-based): chr10:54,213,997, T>C on the plus strand (A>G on the coding strand, the complement: PCDH15 is on the minus strand). VCF-style: chr10-54213997-T-C. GRCh37 (hg19) VCF-style: chr10-55973757-T-C.
Other names: c.1052A>G, p.Glu351Gly (NM_001142763.2, NM_001142769.4, NM_001142771.2); c.1037A>G, p.Glu346Gly (NM_001142764.2, NM_001142765.2, NM_001142766.2 and 7 more transcripts); c.926A>G, p.Glu309Gly (NM_001142767.2); c.971A>G, p.Glu324Gly (NM_001142768.2, NM_001142773.2, NM_001354404.2); short protein forms E309G, E324G, E346G, E351G.
Identifiers: ClinVar variation 2430529 (VCV002430529.1), dbSNP rs1262206779, ClinGen allele CA376523627.